The following is an entry in ClinVar:

ClinVar aggregate classification (germline): Conflicting classifications of pathogenicity. Review status: criteria provided, conflicting classifications (1 of 4 stars). 3 submissions from 3 submitters: Uncertain significance (1); Likely benign (2). Last evaluated 2025-11-24.

Conditions:
ITGA2-related disorder. Also called: ITGA2-related condition.
Inborn genetic diseases. Identifiers: MedGen C0950123, MeSH D030342.

gnomAD v4.1: 170 of 1,612,388 alleles (0.011%); highest among the groups gnomAD compares: African/African-American, 0.17%; 2 homozygotes.

Submissions (3):

PreventionGenetics, part of Exact Sciences
Classification: Likely benign for ITGA2-related condition. Last evaluated: 2025-11-24. Review status: criteria provided, single submitter. Criteria: ACMG Guidelines, 2015. Collection method: clinical testing. Allele origin: germline.
Comment: This variant is classified as likely benign based on ACMG/AMP sequence variant interpretation guidelines (Richards et al. 2015 PMID: 25741868, with internal and published modifications).

Ambry Genetics
Classification: Uncertain significance for Inborn genetic diseases. Last evaluated: 2025-04-16. Review status: criteria provided, single submitter. Criteria: Ambry Variant Classification Scheme 2023. Collection method: clinical testing. Allele origin: germline.

Blueprint Genetics
Classification: Likely benign. Last evaluated: 2024-05-27. Review status: criteria provided, single submitter. Criteria: ACMG Guidelines, 2015. Collection method: clinical testing. Allele origin: germline.

NM_002203.4(ITGA2):c.2605G>A (p.Ala869Thr)

Gene: ITGA2 (integrin subunit alpha 2; plus strand). Cytogenetic location: 5q11.2.
Variant type: single nucleotide variant.
Coding change: c.2605G>A on transcript NM_002203.4 (MANE Select); coding-DNA position 2605, G replaced by A.
Protein change: p.Ala869Thr; replaces alanine 869 with threonine.
Molecular consequence: missense variant. On other transcripts: non-coding transcript variant (5).
Genome position (GRCh38, 1-based): chr5:53,074,418, G>A. VCF-style: chr5-53074418-G-A. GRCh37 (hg19) VCF-style: chr5-52370248-G-A.
Other names: short protein forms A869T.
Identifiers: ClinVar variation 4039892 (VCV004039892.3).
Genomic context (GRCh38, chr5:53,074,418, plus strand): 5'-CATTGTTGTTTCCTTGGTCTTGTTCAGGTTGATGGGACAGAAGTAACATGCCAGGTGGCT[G>A]CATCTCAGAAGTCTGTTGCCTGCGATGTAGGCTACCCTGCTTTAAAGAGAGAACAACAGG-3'
Protein context (NP_002194.2, residues 859-879): DGTEVTCQVA[Ala869Thr]SQKSVACDVG